The following is an entry in ClinVar:

ClinVar aggregate classification (germline): Uncertain significance. Review status: criteria provided, multiple submitters, no conflicts (2 of 4 stars). 2 submissions from 2 submitters: Uncertain significance (2). Last evaluated 2024-07-20.

Conditions:
Familial adenomatous polyposis 1 (FAP1). Also called: POLYPOSIS, ADENOMATOUS INTESTINAL; FAMILIAL ADENOMATOUS POLYPOSIS 1, ATTENUATED. Identifiers: MedGen C2713442, MONDO:0021056, OMIM 175100. Disease mechanism: loss of function.
Classic or attenuated familial adenomatous polyposis. Identifiers: MedGen CN372698, MONDO:0021057.

Allele frequency attached by ClinVar (database versions not stated): gnomAD exomes below 0.00001.
gnomAD v4.1: 1 of 1,614,086 alleles (0.000062%); highest among the groups gnomAD compares: Admixed American, 0.0017%; no homozygotes.

Submissions (2):

All of Us Research Program, National Institutes of Health
Classification: Uncertain significance for Classic or attenuated familial adenomatous polyposis. Last evaluated: 2024-07-20. Review status: criteria provided, single submitter. Criteria: ACMG Guidelines, 2015. Collection method: clinical testing. Allele origin: germline. Inheritance: Autosomal dominant inheritance. Observed: 1 variant allele, 1 heterozygote.
Comment: This missense variant replaces serine with proline at codon 1756 of the APC protein. Computational prediction suggests that this variant may not impact protein structure and function (internally defined REVEL score threshold <= 0.5, PMID: 27666373). To our knowledge, functional studies have not been reported for this variant. This variant has not been reported in individuals affected with APC-related disorders in the literature. This variant has not been identified in the general population by the Genome Aggregation Database (gnomAD). The available evidence is insufficient to determine the role of this variant in disease conclusively. Therefore, this variant is classified as a Variant of Uncertain Significance.

This study involves interpretation of variants in research participants for the purpose of population health screening. Participant phenotype was not available at the time of variant classification. Additional details can be found in publication PMID: 35346344, PMCID: PMC8962531

Labcorp Genetics (formerly Invitae), Labcorp
Classification: Uncertain significance for Familial adenomatous polyposis 1. Last evaluated: 2024-06-11. Review status: criteria provided, single submitter. Criteria: Invitae Variant Classification Sherloc (09022015). Collection method: clinical testing. Allele origin: germline.
Comment: This sequence change replaces serine, which is neutral and polar, with proline, which is neutral and non-polar, at codon 1756 of the APC protein (p.Ser1756Pro). This variant is not present in population databases (gnomAD no frequency). This variant has not been reported in the literature in individuals affected with APC-related conditions. ClinVar contains an entry for this variant (Variation ID: 952914). Advanced modeling of protein sequence and biophysical properties (such as structural, functional, and spatial information, amino acid conservation, physicochemical variation, residue mobility, and thermodynamic stability) performed at Invitae indicates that this missense variant is not expected to disrupt APC protein function with a negative predictive value of 95%. In summary, the available evidence is currently insufficient to determine the role of this variant in disease. Therefore, it has been classified as a Variant of Uncertain Significance.

NM_000038.6(APC):c.5266T>C (p.Ser1756Pro)

Gene: APC (APC regulator of Wnt signaling pathway; plus strand). Cytogenetic location: 5q22.2.
Variant type: single nucleotide variant.
Coding change: c.5266T>C on transcript NM_000038.6 (MANE Select); coding-DNA position 5266, T replaced by C.
Protein change: p.Ser1756Pro; replaces serine 1756 with proline.
Molecular consequence: missense variant.
Genome position (GRCh38, 1-based): chr5:112,840,860, T>C. VCF-style: chr5-112840860-T-C. GRCh37 (hg19) VCF-style: chr5-112176557-T-C.
Other names: c.5266T>C, p.Ser1756Pro (NM_001127510.3, NM_001354895.2); c.5212T>C, p.Ser1738Pro (NM_001127511.3); c.5320T>C, p.Ser1774Pro (NM_001354896.2); c.5296T>C, p.Ser1766Pro (NM_001354897.2); c.5191T>C, p.Ser1731Pro (NM_001354898.2); c.5182T>C, p.Ser1728Pro (NM_001354899.2); c.5143T>C, p.Ser1715Pro (NM_001354900.2); c.5089T>C, p.Ser1697Pro (NM_001354901.2); and 5 more; short protein forms S1473P, S1731P, S1630P, S1665P, S1697P, S1766P, S1596P, S1715P.
Identifiers: ClinVar variation 952914 (VCV000952914.12), dbSNP rs1765903528, ClinGen allele CA16032844.
Genomic context (GRCh38, chr5:112,840,860, plus strand): 5'-AAAAGTCACAAGCCTTTCCGTGTGAAAAAGATAATGGACCAGGTCCAGCAAGCATCTGCG[T>C]CTTCTTCTGCACCCAACAAAAATCAGTTAGATGGTAAGAAAAAGAAACCAACTTCACCAG-3'
Protein context (NP_000029.2, residues 1746-1766): IMDQVQQASA[Ser1756Pro]SSAPNKNQLD